The following is an entry in ClinVar:

ClinVar aggregate classification (germline): Likely benign (1 of 4 stars; one submission).

Conditions:
Hypercholesterolemia, familial, 4 (FHCL4). Also called: HYPERCHOLESTEROLEMIA, AUTOSOMAL RECESSIVE, 1; HYPERCHOLESTEROLEMIA, AUTOSOMAL RECESSIVE, 2. Identifiers: Orphanet 391665, MedGen C1863512, MONDO:0011374, OMIM 603813.

Submission:

GENinCode PLC
Classification: Likely benign for Hypercholesterolemia, familial, 4. Last evaluated: 2023-07-31. Review status: criteria provided, single submitter. Criteria: ACMG Guidelines, 2015. Collection method: clinical testing. Allele origin: germline.
Comment: This is a synonymous (silent) variant that is not predicted by SpliceAI to impact splicing. In addition, it occurs at a nucleotide that is not conserved. Therefore this variant has been classified as Likely Benign (BP4, BP7).

NM_015627.3(LDLRAP1):c.765G>C (p.Leu255=)

Gene: LDLRAP1 (low density lipoprotein receptor adaptor protein 1; plus strand). Cytogenetic location: 1p36.11.
Variant type: single nucleotide variant.
Coding change: c.765G>C on transcript NM_015627.3 (MANE Select); coding-DNA position 765, G replaced by C.
Protein change: p.Leu255=; no amino-acid change (leucine 255 retained).
Molecular consequence: synonymous variant.
Genome position (GRCh38, 1-based): chr1:25,565,190, G>C. VCF-style: chr1-25565190-G-C. GRCh37 (hg19) VCF-style: chr1-25891681-G-C.
Identifiers: ClinVar variation 3393019 (VCV003393019.1).